The following is an entry in ClinVar:

NM_001165963.4(SCN1A):c.3749C>T (p.Thr1250Met)

Genes: SCN1A (sodium voltage-gated channel alpha subunit 1; minus strand), LOC102724058 (uncharacterized LOC102724058; plus strand). Cytogenetic location: 2q24.3.
Variant type: single nucleotide variant.
Coding change: c.3749C>T on transcript NM_001165963.4 (MANE Select); coding-DNA position 3749, C replaced by T.
Protein change: p.Thr1250Met; replaces threonine 1250 with methionine.
Molecular consequence: missense variant. On other transcripts: non-coding transcript variant (1).
Genome position (GRCh38, 1-based): chr2:166,012,239, G>A on the plus strand (C>T on the coding strand, the complement: SCN1A is on the minus strand). VCF-style: chr2-166012239-G-A. GRCh37 (hg19) VCF-style: chr2-166868749-G-A.
Other names: p.T1250M:ACG>ATG; c.3665C>T, p.Thr1222Met (NM_001165964.3, NM_001353957.2, NM_001353958.2); c.3749C>T, p.Thr1250Met (NM_001202435.3, NM_001353948.2); c.3716C>T, p.Thr1239Met (NM_001353949.2, NM_001353950.2, NM_001353951.2 and 2 more transcripts); c.3713C>T, p.Thr1238Met (NM_001353954.2, NM_001353955.2); c.3662C>T, p.Thr1221Met (NM_001353960.2); c.1307C>T, p.Thr436Met (NM_001353961.2); c.3749C>T (NM_001202435.1); short protein forms T1239M, T1250M, T436M, T1221M, T1222M, T1238M.
Identifiers: ClinVar variation 206807 (VCV000206807.47), dbSNP rs140731963, ClinGen allele CA317391.
Genomic context (GRCh38, chr2:166,012,239, plus strand): 5'-TTTAGAAGCATTTCCAGAATGAAAATGTAAGTGAAAACCTTGTCAGCATATTCCAACATC[G>A]TCTTAATCGTCTTTCGCTGATCAATATATATATCTTCAAATGCCTATAAAGAAAATGTTA-3'
Protein context (NP_001159435.1, residues 1240-1260): IYIDQRKTIK[Thr1250Met]MLEYADKVFT

ClinVar aggregate classification (germline): Benign/Likely benign. Review status: criteria provided, multiple submitters, no conflicts (2 of 4 stars). 9 submissions from 9 submitters: Benign (5); Likely benign (3). 1 of the submissions does not count toward it. Last evaluated 2026-07-01.

Conditions:
SCN1A-related disorder. Also called: SCN1A-related conditions; SCN1A-related condition; SCN1A-related disorders.
Early-infantile DEE. Also called: Ohtahara syndrome; Early infantile epileptic encephalopathy with suppression bursts; Early infantile epileptic encephalopathy. Identifiers: Orphanet 1934, MedGen C0393706, MONDO:0800491.
Inborn genetic diseases. Identifiers: MedGen C0950123, MeSH D030342.
Severe myoclonic epilepsy in infancy (DRVT). Also called: Dravet syndrome; Epileptic encephalopathy, early infantile, 6 (Dravet syndrome); DEVELOPMENTAL AND EPILEPTIC ENCEPHALOPATHY 6A; Severe Myoclonic Epilepsy in Infancy (SMEI); SEVERE MYOCLONIC EPILEPSY OF INFANCY. Identifiers: Orphanet 33069, MedGen C0751122, MONDO:0100135, OMIM 607208.

Allele frequency attached by ClinVar (database versions not stated): TOPMed 0.00015; ESP Exome Variant Server 0.00023; gnomAD 0.00025; gnomAD exomes 0.00025 and 0.00041; ExAC 0.00036.
gnomAD v4.1: 396 of 1,609,596 alleles (0.025%); highest among the groups gnomAD compares: Middle Eastern, 0.033%; 1 homozygote.

Submissions (19):

CeGaT Center for Human Genetics Tuebingen
Classification: Likely benign. Last evaluated: 2026-07-01. Review status: criteria provided, single submitter. Criteria: CeGaT Center For Human Genetics Tuebingen Variant Classification Criteria Version 2. Collection method: clinical testing. Allele origin: germline. Affected: yes. Observed: 3 variant alleles.
Comment: SCN1A: BS2

Labcorp Genetics (formerly Invitae), Labcorp
Classification: Likely benign for Early-infantile DEE. Last evaluated: 2026-01-11. Review status: criteria provided, single submitter. Criteria: Invitae Variant Classification Sherloc (09022015). Collection method: clinical testing. Allele origin: germline.

Athena Diagnostics
Classification: Benign. Last evaluated: 2025-09-09. Review status: criteria provided, single submitter. Criteria: Athena Diagnostics Criteria. Collection method: clinical testing. Allele origin: unknown.
Comment: The frequency of this variant in the general population is higher than would generally be expected for pathogenic variants in this gene. This variant has been seen where an alternate explanation for disease was also identified.

Blueprint Genetics
Classification: Likely benign. Last evaluated: 2024-08-05. Review status: criteria provided, single submitter. Criteria: ACMG Guidelines, 2015. Collection method: clinical testing. Allele origin: germline.

Mendelics
Classification: Benign for Severe myoclonic epilepsy in infancy. Last evaluated: 2023-08-22. Review status: criteria provided, single submitter. Criteria: Mendelics Assertion Criteria 2019. Collection method: clinical testing. Allele origin: germline.

Women's Health and Genetics/Laboratory Corporation of America, LabCorp
Classification: Benign. Last evaluated: 2023-05-10. Review status: criteria provided, single submitter. Criteria: LabCorp Variant Classification Summary - May 2015. Collection method: clinical testing. Allele origin: germline.
Comment: Variant summary: SCN1A c.3749C>T (p.Thr1250Met) results in a non-conservative amino acid change located in the ion transport domain (IPR005821) of the encoded protein sequence. Three of five in-silico tools predict a damaging effect of the variant on protein function. The variant allele was found at a frequency of 0.00041 in 249310 control chromosomes. The observed variant frequency is approximately 23-fold of the estimated maximal expected allele frequency for a pathogenic variant in SCN1A causing SCN1A-Related Seizure Disorder phenotype (1.8e-05), strongly suggesting that the variant is benign. c.3749C>T has been reported in the literature in individuals affected with Seizure Disorders, without evidence for causality (i.e. lack of segregation or segregation data not provided) and in one case where the variant co-occurred with a pathogenic variant (c.3706-2A>G), providing supporting evidence for a benign role (e.g. Orrico_2009, Catarino_2011, Lal_2016, Fang_2019). To our knowledge, no experimental evidence demonstrating an impact on protein function has been reported. The following publications have been ascertained in the context of this evaluation (PMID: 21719429, 19522081, 31009440, 26990884). Four clinical diagnostic laboratories have submitted clinical-significance assessments for this variant to ClinVar after 2014 and classified the variant as either benign (n=2)/likely benign (n=1), or VUS (=1). Based on the evidence outlined above, the variant was classified as benign.

Ambry Genetics
Classification: Benign for Inborn genetic diseases. Last evaluated: 2022-06-17. Review status: criteria provided, single submitter. Criteria: Ambry Variant Classification Scheme 2023. Collection method: clinical testing. Allele origin: germline.

GeneDx
Classification: Benign. Last evaluated: 2019-02-27. Review status: criteria provided, single submitter. Criteria: GeneDx Variant Classification Process June 2021. Collection method: clinical testing. Allele origin: germline. Affected: yes.
Comment: This variant is associated with the following publications: (PMID: 27231140, 19522081, 21719429, 28202706, 28150151, 26990884, 31009440)

PreventionGenetics, part of Exact Sciences
Classification: Likely benign for SCN1A-related condition. Last evaluated: 2021-02-10. Review status: no assertion criteria provided. Collection method: clinical testing. Allele origin: germline. Not counted in ClinVar's aggregate classification.
Comment: This variant is classified as likely benign based on ACMG/AMP sequence variant interpretation guidelines (Richards et al. 2015 PMID: 25741868, with internal and published modifications).

Channelopathy-Associated Epilepsy Research Center
No classification provided (evidence only). Review status: no classification provided. Collection method: in vitro. Allele origin: not applicable. Functional consequence: Normal peak current. Not counted in ClinVar's aggregate classification.

Channelopathy-Associated Epilepsy Research Center
No classification provided (evidence only). Review status: no classification provided. Collection method: in vitro. Allele origin: not applicable. Functional consequence: Normal voltage dependence of activation. Not counted in ClinVar's aggregate classification.

Channelopathy-Associated Epilepsy Research Center
No classification provided (evidence only). Review status: no classification provided. Collection method: in vitro. Allele origin: not applicable. Functional consequence: Normal slope of activation. Not counted in ClinVar's aggregate classification.

Channelopathy-Associated Epilepsy Research Center
No classification provided (evidence only). Review status: no classification provided. Collection method: in vitro. Allele origin: not applicable. Functional consequence: Normal voltage dependence of fast inactivation. Not counted in ClinVar's aggregate classification.

Channelopathy-Associated Epilepsy Research Center
No classification provided (evidence only). Review status: no classification provided. Collection method: in vitro. Allele origin: not applicable. Functional consequence: Normal slope of fast inactivation. Not counted in ClinVar's aggregate classification.

Channelopathy-Associated Epilepsy Research Center
No classification provided (evidence only). Review status: no classification provided. Collection method: in vitro. Allele origin: not applicable. Functional consequence: Normal rate of recovery from fast inactivation. Not counted in ClinVar's aggregate classification.

Channelopathy-Associated Epilepsy Research Center
No classification provided (evidence only). Review status: no classification provided. Collection method: in vitro. Allele origin: not applicable. Functional consequence: Normal current amplitude in use dependence. Not counted in ClinVar's aggregate classification.

Channelopathy-Associated Epilepsy Research Center
No classification provided (evidence only). Review status: no classification provided. Collection method: in vitro. Allele origin: not applicable. Functional consequence: Normal fast inactivation. Not counted in ClinVar's aggregate classification.

Channelopathy-Associated Epilepsy Research Center
No classification provided (evidence only). Review status: no classification provided. Collection method: in vitro. Allele origin: not applicable. Functional consequence: Normal ramp current. Not counted in ClinVar's aggregate classification.

Channelopathy-Associated Epilepsy Research Center
No classification provided (evidence only). Review status: no classification provided. Collection method: in vitro. Allele origin: not applicable. Functional consequence: Normal persistent current. Not counted in ClinVar's aggregate classification.

Literature cited by the submitters: PubMed 19522081 (cited by Athena Diagnostics and Women's Health and Genetics/Laboratory Corporation of America, LabCorp); PubMed 21719429 (cited by Athena Diagnostics and Women's Health and Genetics/Laboratory Corporation of America, LabCorp); PubMed 26990884 (cited by Athena Diagnostics and Women's Health and Genetics/Laboratory Corporation of America, LabCorp); PubMed 31009440 (cited by Athena Diagnostics and Women's Health and Genetics/Laboratory Corporation of America, LabCorp).